The following is an entry in ClinVar:

NM_001040108.2(MLH3):c.3528G>A (p.Leu1176=)

Gene: MLH3 (mutL homolog 3; minus strand). Cytogenetic location: 14q24.3.
Variant type: single nucleotide variant.
Coding change: c.3528G>A on transcript NM_001040108.2 (MANE Select); coding-DNA position 3528, G replaced by A.
Protein change: p.Leu1176=; no amino-acid change (leucine 1176 retained).
Molecular consequence: synonymous variant.
Genome position (GRCh38, 1-based): chr14:75,039,953, C>T on the plus strand (G>A on the coding strand, the complement: MLH3 is on the minus strand). VCF-style: chr14-75039953-C-T. GRCh37 (hg19) VCF-style: chr14-75506656-C-T.
Other names: c.3528G>A, p.Leu1176= (NM_014381.3).
Identifiers: ClinVar variation 722212 (VCV000722212.13), dbSNP rs1051361984, ClinGen allele CA263645116.
Genomic context (GRCh38, chr14:75,039,953, plus strand): 5'-TTGAAGTTAATCTTTTACCTGCATTGAATGAATCATTCCTTTGGTGAAACGATAGGGATA[C>T]AAGATGTTGTGAATTTTAACTGCTAAGCTCTCAGCCTGGCCACTGCTTACATCAACAGCA-3'
Protein context (NP_001035197.1, residues 1166-1186): ESLAVKIHNI[Leu1176=]YPYRFTKGMI

ClinVar aggregate classification (germline): Benign/Likely benign. Review status: criteria provided, multiple submitters, no conflicts (2 of 4 stars). 3 submissions from 3 submitters: Benign (1); Likely benign (2). Last evaluated 2026-05-06.

Conditions:
Colorectal cancer, hereditary nonpolyposis, type 7. Identifiers: Orphanet 144, MedGen C1858380, MONDO:0013725, OMIM 614385.

gnomAD v4.1: 1 of 1,590,096 alleles (0.000063%); no homozygotes.

Submissions (3):

Myriad Genetics, Inc.
Classification: Benign for Colorectal cancer, hereditary nonpolyposis, type 7. Last evaluated: 2026-05-06. Review status: criteria provided, single submitter. Criteria: Myriad Autosomal Dominant, Autosomal Recessive and X-Linked Classification Criteria (2023). Collection method: clinical testing. Allele origin: unknown.
Comment: This variant is considered benign. This variant is a silent/synonymous amino acid change and it is not expected to impact splicing.

Labcorp Genetics (formerly Invitae), Labcorp
Classification: Likely benign for Colorectal cancer, hereditary nonpolyposis, type 7. Last evaluated: 2025-04-28. Review status: criteria provided, single submitter. Criteria: Invitae Variant Classification Sherloc (09022015). Collection method: clinical testing. Allele origin: germline.

Ambry Genetics
Classification: Likely benign. Last evaluated: 2020-08-29. Review status: criteria provided, single submitter. Criteria: Ambry Variant Classification Scheme 2023. Collection method: clinical testing. Allele origin: germline.